The following is an entry in ClinVar:

ClinVar aggregate classification (germline): Benign (1 of 4 stars; one submission).

Allele frequency attached by ClinVar (database versions not stated): gnomAD 0.22357 and 0.22624; TOPMed 0.22825; 1000 Genomes Project 0.24441; 1000 Genomes Project 30x 0.25094.
gnomAD v4.1: 33,899 of 152,218 alleles (22%); highest among the groups gnomAD compares: African/African-American, 43%; 5,237 homozygotes.

Submission:

GeneDx
Classification: Benign. Last evaluated: 2018-06-14. Review status: criteria provided, single submitter. Criteria: GeneDx Variant Classification (06012015). Collection method: clinical testing. Allele origin: germline. Affected: yes.
Comment: This variant is considered likely benign or benign based on one or more of the following criteria: it is a conservative change, it occurs at a poorly conserved position in the protein, it is predicted to be benign by multiple in silico algorithms, and/or has population frequency not consistent with disease.

NM_000540.3(RYR1):c.6127+167C>T

Gene: RYR1 (ryanodine receptor 1; plus strand). Cytogenetic location: 19q13.2.
Variant type: single nucleotide variant.
Coding change: c.6127+167C>T on transcript NM_000540.3 (MANE Select); 167 bases into the intron after coding-DNA position 6127, C replaced by T.
Molecular consequence: intron variant.
Genome position (GRCh38, 1-based): chr19:38,490,899, C>T. VCF-style: chr19-38490899-C-T. GRCh37 (hg19) VCF-style: chr19-38981539-C-T.
Other names: c.6127+167C>T (NM_001042723.2).
Identifiers: ClinVar variation 669197 (VCV000669197.1), dbSNP rs11880894, ClinGen allele CA14744750.
Genomic context (GRCh38, chr19:38,490,899, plus strand): 5'-GTAACTATTGGTTGAATGAATGAATGAGTGAGTGAATGAATGTGTTAGTGAACAGTTAGA[C>T]AATGCGTGTTTATATGGGTATTTGGGTGGATGGCTATAAGCCAGATAAATGAATGGGTAT-3'